The following is an entry in ClinVar:

ClinVar aggregate classification (germline): Pathogenic (1 of 4 stars; one submission).

Conditions:
Familial adenomatous polyposis 3. Also called: NTHL1-Related Adenomatous Polyposis and Colorectal Cancer; NTHL1 Tumor Syndrome; NTHL1-related attenuated familial adenomatous polyposis; NTHL1-associated polyposis. Identifiers: Orphanet 220460, Orphanet 454840, MedGen C4225157, MONDO:0014630, OMIM 616415.

Submission:

Myriad Genetics, Inc.
Classification: Pathogenic for Familial adenomatous polyposis 3. Last evaluated: 2023-09-05. Review status: criteria provided, single submitter. Criteria: Myriad Autosomal Dominant, Autosomal Recessive and X-Linked Classification Criteria (2023). Collection method: clinical testing. Allele origin: unknown.
Comment: This variant is considered pathogenic. This variant creates a frameshift predicted to result in premature protein truncation.

NM_002528.7(NTHL1):c.763dup (p.Arg255fs)

Gene: NTHL1 (nth like DNA glycosylase 1; minus strand). Cytogenetic location: 16p13.3.
Variant type: Duplication.
Coding change: c.763dup on transcript NM_002528.7 (MANE Select); coding-DNA position 763, one base duplicated (C; older notation c.763dupC).
Protein change: p.Arg255fs; shifts the reading frame from arginine 255.
Molecular consequence: frameshift variant.
Genome position (GRCh38, 1-based): chr16:2,040,161, G duplicated on the plus strand (C on the coding strand, the reverse complement: NTHL1 is on the minus strand); the first of 3 consecutive G bases (chr16:2,040,161-2,040,163); duplicating any one gives the same sequence. VCF-style (leftmost placement, unchanged base first): chr16-2040160-C-CG. GRCh37 (hg19) VCF-style: chr16-2090161-C-CG.
Other names: c.592dup, p.Arg198fs (NM_001318193.2); c.433dup, p.Arg145fs (NM_001318194.2); short protein forms R145fs, R198fs, R255fs.
Identifiers: ClinVar variation 2673812 (VCV002673812.1), dbSNP rs2548311864, ClinGen allele CA2695197411.
Genomic context (GRCh38, chr16:2,040,160, plus strand): 5'-CTTCTCCCTAGGAAGCCCCCCACATACTCATACCTAGGCAGCCACTCCTCCAGGGCGGCG[C>CG]GGGTCTCCTCTGGGGACTTGGTTGCCTTCTTGGTCCACCTCAGCCTGTTGGCGATTCTGT-3'